The following is an entry in ClinVar:

ClinVar aggregate classification (germline): Likely benign (1 of 4 stars; one submission).

gnomAD v4.1: 64 of 1,050,678 alleles (0.0061%); highest among the groups gnomAD compares: Non-Finnish European, 0.0068%; no homozygotes.

Submission:

CeGaT Center for Human Genetics Tuebingen
Classification: Likely benign. Last evaluated: 2025-09-01. Review status: criteria provided, single submitter. Criteria: CeGaT Center For Human Genetics Tuebingen Variant Classification Criteria Version 2. Collection method: clinical testing. Allele origin: germline. Affected: yes. Observed: 1 variant allele.
Comment: ATXN7: BP4, BP7

NM_001377405.1(ATXN7):c.69A>G (p.Ala23=)

Genes: ATXN7 (ataxin 7; plus strand), LOC129936979 (ATAC-STARR-seq lymphoblastoid silent region 14501; plus strand). Cytogenetic location: 3p14.1.
Variant type: single nucleotide variant.
Coding change: c.69A>G on transcript NM_001377405.1 (MANE Select); coding-DNA position 69, A replaced by G.
Protein change: p.Ala23=; no amino-acid change (alanine 23 retained).
Molecular consequence: synonymous variant.
Genome position (GRCh38, 1-based): chr3:63,912,667, A>G. VCF-style: chr3-63912667-A-G. GRCh37 (hg19) VCF-style: chr3-63898343-A-G.
Other names: c.69A>G, p.Ala23= (NM_000333.4, NM_001177387.1, NM_001377406.1).
Identifiers: ClinVar variation 4281254 (VCV004281254.7).